The following is an entry in ClinVar:

NM_001174150.2(ARL13B):c.486+22del

Gene: ARL13B (ARF like GTPase 13B; plus strand). Cytogenetic location: 3q11.2.
Variant type: Deletion.
Coding change: c.486+22del on transcript NM_001174150.2 (MANE Select); 22 bases into the intron after coding-DNA position 486, one base deleted (T; older notation c.486+22delT).
Molecular consequence: intron variant.
Genome position (GRCh38, 1-based): chr3:94,035,458, T deleted; the last of 16 consecutive T bases (chr3:94,035,443-94,035,458); deleting any one gives the same sequence. VCF-style (leftmost placement, unchanged base first): chr3-94035442-GT-G. GRCh37 (hg19) VCF-style: chr3-93754286-GT-G.
Other names: p.?; c.441+22del (NM_001321328.2); c.486+22del (NM_182896.3); c.177+22del (NM_001174151.2); c.165+22del (NM_144996.4).
Identifiers: ClinVar variation 695159 (VCV000695159.10), dbSNP rs368491848, ClinGen allele CA2504047.

ClinVar aggregate classification (germline): Benign. Review status: criteria provided, multiple submitters, no conflicts (2 of 4 stars). 3 submissions from 3 submitters: Benign (3). Last evaluated 2025-04-14.

Conditions:
Joubert syndrome 1 (JBTS1). Also called: Cerebellooculorenal syndrome 1; CEREBELLOPARENCHYMAL DISORDER IV. Identifiers: MedGen C4551568, MONDO:0008944, OMIM 213300.
Joubert syndrome 8 (JBTS8). Identifiers: Orphanet 475, MedGen C2676771, MONDO:0012855, OMIM 612291.

Submissions (3):

Labcorp Genetics (formerly Invitae), Labcorp
Classification: Benign for Joubert syndrome 8. Last evaluated: 2025-04-14. Review status: criteria provided, single submitter. Criteria: Invitae Variant Classification Sherloc (09022015). Collection method: clinical testing. Allele origin: germline.

Mayo Clinic Laboratories, Mayo Clinic
Classification: Benign. Last evaluated: 2024-09-27. Review status: criteria provided, single submitter. Criteria: ACMG Guidelines, 2015. Collection method: clinical testing. Allele origin: germline. Observed: 1 variant allele.
Comment: BA1, BP7

Mendelics
Classification: Benign for Joubert syndrome 1. Last evaluated: 2019-05-28. Review status: criteria provided, single submitter. Criteria: Mendelics Assertion Criteria 2017. Collection method: clinical testing. Allele origin: unknown.